The following is an entry in ClinVar:

ClinVar aggregate classification (germline): Conflicting classifications of pathogenicity. Review status: criteria provided, conflicting classifications (1 of 4 stars). 5 submissions from 5 submitters: Uncertain significance (4); Benign (1). Last evaluated 2025-03-17.

Conditions:
Pheochromocytoma/paraganglioma syndrome 3. Also called: GLOMUS TUMORS, FAMILIAL, 3; Paragangliomas 3; SDHC-Related Hereditary Paraganglioma-Pheochromocytoma Syndrome (Paragangliomas 3); SDHC-Related Hereditary Paraganglioma-Pheochromocytoma Syndrome. Identifiers: Orphanet 29072, MedGen C1854336, MONDO:0011544, OMIM 605373.
Hereditary pheochromocytoma and paraganglioma. Also called: Hereditary Paraganglioma-Pheochromocytoma Syndromes; Hereditary paragangliomas and pheochromocytomas; Hereditary pheochromocytoma-paraganglioma. Identifiers: Orphanet 29072, MedGen C4274332, MONDO:0017366.

Allele frequency attached by ClinVar (database versions not stated): TOPMed below 0.00001; gnomAD exomes 0.00001; ExAC 0.00004.
gnomAD v4.1: 8 of 1,613,162 alleles (0.0005%); highest among the groups gnomAD compares: Admixed American, 0.013%; no homozygotes.

Submissions (5):

Myriad Genetics, Inc.
Classification: Benign for Pheochromocytoma/paraganglioma syndrome 3. Last evaluated: 2025-03-17. Review status: criteria provided, single submitter. Criteria: Myriad Autosomal Dominant, Autosomal Recessive and X-Linked Classification Criteria (2023). Collection method: clinical testing. Allele origin: unknown.
Comment: This variant is considered benign. This variant occurs in the non-coding 3' untranslated region of the gene and is not expected to impact protein function.

Quest Diagnostics Nichols Institute San Juan Capistrano
Classification: Uncertain significance. Last evaluated: 2024-06-19. Review status: criteria provided, single submitter. Criteria: Quest Diagnostics criteria. Collection method: clinical testing. Allele origin: unknown.
Comment: The SDHC c.*3A>G variant has not been reported in individuals with SDHC-related conditions in the published literature. The frequency of this variant in the general population, 0.0002 (7/34230 chromosomes in Admixed American subpopulation (Genome Aggregation Database)), is higher than would generally be expected for pathogenic variants in this gene. Based on the available information, we are unable to determine the clinical significance of this variant.

Color Diagnostics, LLC DBA Color Health
Classification: Uncertain significance for Hereditary pheochromocytoma and paraganglioma. Last evaluated: 2024-04-02. Review status: criteria provided, single submitter. Criteria: ACMG Guidelines, 2015. Collection method: clinical testing. Allele origin: germline.
Comment: This variant is located in the 3' untranslated region of the SDHC gene. To our knowledge, functional studies have not been reported for this variant. This variant has not been reported in individuals affected with SDHC-related disorders in the literature. This variant has been identified in 7/245156 chromosomes in the general population by the Genome Aggregation Database (gnomAD). The available evidence is insufficient to determine the role of this variant in disease conclusively. Therefore, this variant is classified as a Variant of Uncertain Significance.

GeneDx
Classification: Uncertain significance. Last evaluated: 2023-12-01. Review status: criteria provided, single submitter. Criteria: GeneDx Variant Classification Process June 2021. Collection method: clinical testing. Allele origin: germline. Affected: yes.
Comment: Located in a region that tolerates variation and lacks pathogenic variants; Has not been previously published as pathogenic or benign to our knowledge

All of Us Research Program, National Institutes of Health
Classification: Uncertain significance for Hereditary pheochromocytoma and paraganglioma. Last evaluated: 2023-11-30. Review status: criteria provided, single submitter. Criteria: ACMG Guidelines, 2015. Collection method: clinical testing. Allele origin: germline. Inheritance: Autosomal dominant inheritance. Observed: 1 variant allele, 1 heterozygote.
Comment: This study involves interpretation of variants in research participants for the purpose of population health screening. Participant phenotype was not available at the time of variant classification. Additional details can be found in publication PMID: 35346344, PMCID: PMC8962531

NM_003001.5(SDHC):c.*3A>G

Gene: SDHC (succinate dehydrogenase complex subunit C; plus strand). Cytogenetic location: 1q23.3.
Variant type: single nucleotide variant.
Coding change: c.*3A>G on transcript NM_003001.5 (MANE Select); 3 bases downstream of the stop codon, A replaced by G.
Molecular consequence: 3 prime UTR variant. On other transcripts: missense variant (3), non-coding transcript variant (1).
Genome position (GRCh38, 1-based): chr1:161,362,436, A>G. VCF-style: chr1-161362436-A-G. GRCh37 (hg19) VCF-style: chr1-161332226-A-G.
Other names: c.349A>G, p.Lys117Glu (NM_001035511.3); c.*3A>G (NM_001035512.3, NM_001035513.3, NM_001407115.1 and 5 more transcripts); c.247A>G, p.Lys83Glu (NM_001278172.3); c.292A>G, p.Lys98Glu (NM_001407121.1); short protein forms K117E, K83E, K98E.
Identifiers: ClinVar variation 3073891 (VCV003073891.5), dbSNP rs763357013, ClinGen allele CA047613.